The following is an entry in ClinVar:

ClinVar aggregate classification (germline): Uncertain significance (1 of 4 stars; one submission).

Conditions:
RFX4-related disorder. Also called: RFX4-related condition.

Submission:

3billion
Classification: Uncertain significance for RFX4-related disorder. Last evaluated: 2025-09-25. Review status: criteria provided, single submitter. Criteria: ACMG Guidelines, 2015. Collection method: clinical testing. Allele origin: germline. Affected: yes.
Comment: The variant is not observed in the gnomAD v4.1.0 dataset. Predicted Consequence/Location: Missense variant In silico tool predictions suggest damaging effect of the variant on gene or gene product [REVEL: 0.70 (>=0.6, sensitivity 0.68 and specificity 0.92)]. Therefore, this variant is classified as VUS according to the recommendation of ACMG/AMP guideline.

NM_213594.3(RFX4):c.790T>C (p.Ser264Pro)

Genes: RFX4-AS1 (RFX4 antisense RNA 1; minus strand), RFX4 (regulatory factor X4; plus strand). Cytogenetic location: 12q23.3.
Variant type: single nucleotide variant.
Coding change: c.790T>C on transcript NM_213594.3 (MANE Select); coding-DNA position 790, T replaced by C.
Protein change: p.Ser264Pro; replaces serine 264 with proline.
Molecular consequence: missense variant.
Genome position (GRCh38, 1-based): chr12:106,696,403, T>C. VCF-style: chr12-106696403-T-C. GRCh37 (hg19) VCF-style: chr12-107090181-T-C.
Other names: c.817T>C, p.Ser273Pro (NM_001206691.2); c.508T>C, p.Ser170Pro (NM_032491.6); short protein forms S170P, S264P, S273P.
Identifiers: ClinVar variation 4855712 (VCV004855712.1).
Genomic context (GRCh38, chr12:106,696,403, plus strand): 5'-GGCTCCTCCACGGTGGTGAACATTGTCGGCGTGTGTGACTCCATCCTCTACAAAGCTATC[T>C]CCGGGGTGCTGATGCCCACTGTGCTGCAGGCATTACCTGACAGGTGGGCATGCTTATTCT-3'
Protein context (NP_998759.1, residues 254-274): VCDSILYKAI[Ser264Pro]GVLMPTVLQA